The following is an entry in ClinVar:

ClinVar aggregate classification (germline): Uncertain significance. Review status: criteria provided, multiple submitters, no conflicts (2 of 4 stars). 5 submissions from 5 submitters: Uncertain significance (5). Last evaluated 2026-09-08.

Conditions:
RAI1-related disorder. Also called: RAI1-related condition.
Inborn genetic diseases. Identifiers: MedGen C0950123, MeSH D030342.

Allele frequency attached by ClinVar (database versions not stated): gnomAD 0.00003 and 0.00004; gnomAD exomes below 0.00001; TOPMed 0.00002.
gnomAD v4.1: 13 of 1,613,086 alleles (0.00081%); highest among the groups gnomAD compares: African/African-American, 0.0053%; no homozygotes.

Submissions (5):

Ambry Genetics
Classification: Uncertain significance for Inborn genetic diseases. Last evaluated: 2026-09-08. Review status: criteria provided, single submitter. Criteria: Ambry Variant Classification Scheme 2023. Collection method: clinical testing. Allele origin: germline.
Comment: The c.1444A>G (p.S482G) alteration is located in exon 3 (coding exon 1) of the RAI1 gene. This alteration results from a A to G substitution at nucleotide position 1444, causing the serine (S) at amino acid position 482 to be replaced by a glycine (G). This variant was not reported in population-based cohorts in the Genome Aggregation Database (gnomAD). This amino acid position is highly conserved in available vertebrate species. This alteration is predicted to be tolerated by in silico analysis. Based on insufficient or conflicting evidence, the clinical significance of this alteration remains unclear.

PreventionGenetics, part of Exact Sciences
Classification: Uncertain significance for RAI1-related condition. Last evaluated: 2026-06-05. Review status: criteria provided, single submitter. Criteria: ACMG Guidelines, 2015. Collection method: clinical testing. Allele origin: germline.
Comment: The RAI1 c.1444A>G variant is predicted to result in the amino acid substitution p.Ser482Gly. To our knowledge, this variant has not been reported in the literature or in a large population database (gnomAD), indicating this variant is rare. Although we suspect that this variant may be benign, at this time, the clinical significance of this variant is uncertain due to the absence of conclusive functional and genetic evidence.

Labcorp Genetics (formerly Invitae), Labcorp
Classification: Uncertain significance. Last evaluated: 2025-10-17. Review status: criteria provided, single submitter. Criteria: Invitae Variant Classification Sherloc (09022015). Collection method: clinical testing. Allele origin: germline.
Comment: This sequence change replaces serine, which is neutral and polar, with glycine, which is neutral and non-polar, at codon 482 of the RAI1 protein (p.Ser482Gly). This variant is not present in population databases (gnomAD no frequency). This variant has not been reported in the literature in individuals affected with RAI1-related conditions. ClinVar contains an entry for this variant (Variation ID: 196544). Invitae Evidence Modeling of protein sequence and biophysical properties (such as structural, functional, and spatial information, amino acid conservation, physicochemical variation, residue mobility, and thermodynamic stability) indicates that this missense variant is not expected to disrupt RAI1 protein function with a negative predictive value of 80%. In summary, the available evidence is currently insufficient to determine the role of this variant in disease. Therefore, it has been classified as a Variant of Uncertain Significance.

Blueprint Genetics
Classification: Uncertain significance. Last evaluated: 2024-02-27. Review status: criteria provided, single submitter. Criteria: ACMG Guidelines, 2015. Collection method: clinical testing. Allele origin: germline.

Eurofins Ntd Llc (ga)
Classification: Uncertain significance. Last evaluated: 2014-06-09. Review status: criteria provided, single submitter. Criteria: EGL Classification Definitions 2015. Collection method: clinical testing. Allele origin: germline. Observed: 1 variant allele, 1 heterozygote.

NM_030665.4(RAI1):c.1444A>G (p.Ser482Gly)

Gene: RAI1 (retinoic acid induced 1; plus strand). Cytogenetic location: 17p11.2.
Variant type: single nucleotide variant.
Coding change: c.1444A>G on transcript NM_030665.4 (MANE Select); coding-DNA position 1444, A replaced by G.
Protein change: p.Ser482Gly; replaces serine 482 with glycine.
Molecular consequence: missense variant.
Genome position (GRCh38, 1-based): chr17:17,794,392, A>G. VCF-style: chr17-17794392-A-G. GRCh37 (hg19) VCF-style: chr17-17697706-A-G.
Other names: short protein forms S482G.
Identifiers: ClinVar variation 196544 (VCV000196544.14), dbSNP rs200842054, ClinGen allele CA243532.
Genomic context (GRCh38, chr17:17,794,392, plus strand): 5'-AAGAAAGGTGTCAAGAACCTCGTGTCCAGGACCCCAGAGCAGCATAAAAGCCAGCACTGC[A>G]GCCCCGAAGGGAGCGGCTACTCAGCCGAGCCCGCAGGCACACCGCTGTCAGAGCCGCCGA-3'
Protein context (NP_109590.3, residues 472-492): TPEQHKSQHC[Ser482Gly]PEGSGYSAEP